The following is an entry in ClinVar:

ClinVar aggregate classification (germline): Likely benign (1 of 4 stars; one submission).

Allele frequency attached by ClinVar (database versions not stated): TOPMed 0.00002; gnomAD 0.00006; gnomAD exomes 0.00007; ExAC 0.00013.
gnomAD v4.1: 79 of 1,208,972 alleles (0.0065%); highest among the groups gnomAD compares: South Asian, 0.025%; no homozygotes.

Submission:

CeGaT Center for Human Genetics Tuebingen
Classification: Likely benign. Last evaluated: 2023-04-01. Review status: criteria provided, single submitter. Criteria: CeGaT Center For Human Genetics Tuebingen Variant Classification Criteria Version 2. Collection method: clinical testing. Allele origin: germline. Affected: yes. Observed: 1 variant allele.
Comment: FAM50A: BP4, BP7, BS2

NM_004699.4(FAM50A):c.981C>T (p.Tyr327=)

Gene: FAM50A (family with sequence similarity 50 member A; plus strand). Cytogenetic location: Xq28.
Variant type: single nucleotide variant.
Coding change: c.981C>T on transcript NM_004699.4 (MANE Select); coding-DNA position 981, C replaced by T.
Protein change: p.Tyr327=; no amino-acid change (tyrosine 327 retained).
Molecular consequence: synonymous variant.
Genome position (GRCh38, 1-based): chrX:154,450,289, C>T. VCF-style: chrX-154450289-C-T. GRCh37 (hg19) VCF-style: chrX-153678637-C-T.
Identifiers: ClinVar variation 2661819 (VCV002661819.24), dbSNP rs782547697, ClinGen allele CA10563509.
Genomic context (GRCh38, chrX:154,450,289, plus strand): 5'-GCTGAGGAGCTGGTACGAGAAGAACAAGCACATCTTTCCCGCCAGCCGCTGGGAACCCTA[C>T]GACCCTGAAAAGAAGTGGGACAAGTACACGGTGAGGAGGGGCTGGCAGGGACCCCTCCAA-3'
Protein context (NP_004690.1, residues 317-337): HIFPASRWEP[Tyr327=]DPEKKWDKYT